The following is an entry in ClinVar:

ClinVar aggregate classification (germline): Uncertain significance. Review status: criteria provided, multiple submitters, no conflicts (2 of 4 stars). 2 submissions from 2 submitters: Uncertain significance (2). Last evaluated 2025-12-02.

gnomAD v4.1: 2 of 1,614,058 alleles (0.00012%); highest among the groups gnomAD compares: Admixed American, 0.0017%; no homozygotes.

Submissions (2):

Labcorp Genetics (formerly Invitae), Labcorp
Classification: Uncertain significance. Last evaluated: 2025-12-02. Review status: criteria provided, single submitter. Criteria: Invitae Variant Classification Sherloc (09022015). Collection method: clinical testing. Allele origin: germline.
Comment: This sequence change replaces valine, which is neutral and non-polar, with isoleucine, which is neutral and non-polar, at codon 1629 of the SRCAP protein (p.Val1629Ile). This variant is not present in population databases (gnomAD no frequency). This variant has not been reported in the literature in individuals affected with SRCAP-related conditions. ClinVar contains an entry for this variant (Variation ID: 1350608). Invitae Evidence Modeling of protein sequence and biophysical properties (such as structural, functional, and spatial information, amino acid conservation, physicochemical variation, residue mobility, and thermodynamic stability) indicates that this missense variant is not expected to disrupt SRCAP protein function with a negative predictive value of 80%. In summary, the available evidence is currently insufficient to determine the role of this variant in disease. Therefore, it has been classified as a Variant of Uncertain Significance.

GeneDx
Classification: Uncertain significance. Last evaluated: 2022-05-06. Review status: criteria provided, single submitter. Criteria: GeneDx Variant Classification Process June 2021. Collection method: clinical testing. Allele origin: germline. Affected: yes.
Comment: Not observed at significant frequency in large population cohorts (gnomAD); In silico analysis supports that this missense variant does not alter protein structure/function; Has not been previously published as pathogenic or benign to our knowledge

NM_006662.3(SRCAP):c.4885G>A (p.Val1629Ile)

Gene: SRCAP (Snf2 related CREBBP activator protein; plus strand). Cytogenetic location: 16p11.2.
Variant type: single nucleotide variant.
Coding change: c.4885G>A on transcript NM_006662.3 (MANE Select); coding-DNA position 4885, G replaced by A.
Protein change: p.Val1629Ile; replaces valine 1629 with isoleucine.
Molecular consequence: missense variant.
Genome position (GRCh38, 1-based): chr16:30,724,309, G>A. VCF-style: chr16-30724309-G-A. GRCh37 (hg19) VCF-style: chr16-30735630-G-A.
Other names: short protein forms V1629I.
Identifiers: ClinVar variation 1350608 (VCV001350608.7), dbSNP rs2151294365, ClinGen allele CA395616820.